The following is an entry in ClinVar:

NM_020831.6(MRTFA):c.1535C>T (p.Ala512Val)

Gene: MRTFA (myocardin related transcription factor A; minus strand). Cytogenetic location: 22q13.1.
Variant type: single nucleotide variant.
Coding change: c.1535C>T on transcript NM_020831.6 (MANE Select); coding-DNA position 1535, C replaced by T.
Protein change: p.Ala512Val; replaces alanine 512 with valine.
Molecular consequence: missense variant.
Genome position (GRCh38, 1-based): chr22:40,419,203, G>A on the plus strand (C>T on the coding strand, the complement: MRTFA is on the minus strand). VCF-style: chr22-40419203-G-A. GRCh37 (hg19) VCF-style: chr22-40815207-G-A.
Other names: c.1235C>T, p.Ala412Val (NM_001282660.2); c.1385C>T, p.Ala462Val (NM_001282661.3); c.1535C>T, p.Ala512Val (NM_001282662.3); c.1340C>T, p.Ala447Val (NM_001318139.2); short protein forms A412V, A447V, A462V, A512V.
Identifiers: ClinVar variation 1683075 (VCV001683075.6), dbSNP rs199636804, ClinGen allele CA10249649.

ClinVar aggregate classification (germline): Uncertain significance (1 of 4 stars; one submission).

Allele frequency attached by ClinVar (database versions not stated): TOPMed 0.00002; gnomAD 0.00004 and 0.00005; ExAC 0.00008; ESP Exome Variant Server 0.00008; 1000 Genomes Project 30x 0.00016; 1000 Genomes Project 0.00020.
gnomAD v4.1: 115 of 1,595,200 alleles (0.0072%); highest among the groups gnomAD compares: East Asian, 0.039%; no homozygotes.

Submission:

Labcorp Genetics (formerly Invitae), Labcorp
Classification: Uncertain significance. Last evaluated: 2025-11-22. Review status: criteria provided, single submitter. Criteria: Invitae Variant Classification Sherloc (09022015). Collection method: clinical testing. Allele origin: germline.
Comment: This sequence change replaces alanine, which is neutral and non-polar, with valine, which is neutral and non-polar, at codon 412 of the MKL1 protein (p.Ala412Val). This variant is present in population databases (rs199636804, gnomAD 0.005%). This variant has not been reported in the literature in individuals affected with MKL1-related conditions. ClinVar contains an entry for this variant (Variation ID: 1683075). An algorithm developed to predict the effect of missense changes on protein structure and function (PolyPhen-2) suggests that this variant is likely to be tolerated. In summary, the available evidence is currently insufficient to determine the role of this variant in disease. Therefore, it has been classified as a Variant of Uncertain Significance.